The following is an entry in ClinVar:

ClinVar aggregate classification (germline): Benign (1 of 4 stars; one submission).

Conditions:
Episodic ataxia type 1 (EA1). Also called: ATAXIA, EPISODIC, WITH MYOKYMIA; MYOKYMIA WITH PERIODIC ATAXIA; PAROXYSMAL ATAXIA WITH NEUROMYOTONIA, HEREDITARY; Episodic ataxia/myokymia syndrome. Identifiers: Orphanet 37612, Orphanet 972, MedGen C1719788, MONDO:0008047, OMIM 160120.

Allele frequency attached by ClinVar (database versions not stated): 1000 Genomes Project 30x 0.00234; 1000 Genomes Project 0.00240; gnomAD exomes 0.00531; TOPMed 0.00611; gnomAD 0.00661.

Submissions (4):

Illumina Laboratory Services, Illumina
Classification: Benign for Episodic ataxia type 1. Last evaluated: 2018-01-12. Review status: criteria provided, single submitter. Criteria: ICSL Variant Classification Criteria 13 December 2019. Collection method: clinical testing. Allele origin: germline.
Comment: This variant was observed in the ICSL laboratory as part of a predisposition screen in an ostensibly healthy population. It had not been previously curated by ICSL or reported in the Human Gene Mutation Database (HGMD: prior to June 1st, 2018), and was therefore a candidate for classification through an automated scoring system. Utilizing variant allele frequency, disease prevalence and penetrance estimates, and inheritance mode, an automated score was calculated to assess if this variant is too frequent to cause the disease. Based on the score and internal cut-off values, a variant classified as benign is not then subjected to further curation. The score for this variant resulted in a classification of benign for this disease.

Dr. Peter K. Rogan Lab, Western University
No classification provided (evidence only). Condition: Thymoma. Review status: no classification provided. Collection method: in vitro. Allele origin: not applicable. Functional consequence: retained intron. Not counted in ClinVar's aggregate classification.

Dr. Peter K. Rogan Lab, Western University
No classification provided (evidence only). Condition: Thymoma. Review status: no classification provided. Collection method: in vitro. Allele origin: not applicable. Functional consequence: retained intron. Not counted in ClinVar's aggregate classification.

Dr. Peter K. Rogan Lab, Western University
No classification provided (evidence only). Condition: Adrenocortical carcinoma, hereditary. Review status: no classification provided. Collection method: in vitro. Allele origin: not applicable. Functional consequence: retained intron. Not counted in ClinVar's aggregate classification.

NM_000217.3(KCNA1):c.*2080G>A

Gene: KCNA1 (potassium voltage-gated channel subfamily A member 1; plus strand). Cytogenetic location: 12p13.32.
Variant type: single nucleotide variant.
Coding change: c.*2080G>A on transcript NM_000217.3 (MANE Select); 2080 bases downstream of the stop codon, G replaced by A.
Molecular consequence: 3 prime UTR variant.
Genome position (GRCh38, 1-based): chr12:4,914,946, G>A. VCF-style: chr12-4914946-G-A. GRCh37 (hg19) VCF-style: chr12-5024112-G-A.
Other names: NC_000012.11:g.5024112G>A.
Identifiers: ClinVar variation 309180 (VCV000309180.7), dbSNP rs147644839, ClinGen allele CA10641570.